The following is an entry in ClinVar:

NM_003413.4(ZIC3):c.36T>C (p.Pro12=)

Gene: ZIC3 (Zic family zinc finger 3; plus strand). Cytogenetic location: Xq26.3.
Variant type: single nucleotide variant.
Coding change: c.36T>C on transcript NM_003413.4 (MANE Select); coding-DNA position 36, T replaced by C.
Protein change: p.Pro12=; no amino-acid change (proline 12 retained).
Molecular consequence: synonymous variant.
Genome position (GRCh38, 1-based): chrX:137,566,727, T>C. VCF-style: chrX-137566727-T-C. GRCh37 (hg19) VCF-style: chrX-136648886-T-C.
Other names: c.36T>C, p.Pro12= (NM_001330661.1).
Identifiers: ClinVar variation 2183993 (VCV002183993.8), dbSNP rs1229632913, ClinGen allele CA518856895.

ClinVar aggregate classification (germline): Likely benign. Review status: criteria provided, multiple submitters, no conflicts (2 of 4 stars). 2 submissions from 2 submitters: Likely benign (2). Last evaluated 2026-03-01.

Conditions:
Heterotaxy, visceral, 1, X-linked (HTX1). Also called: SITUS INVERSUS, COMPLEX CARDIAC DEFECTS, AND SPLENIC DEFECTS, X-LINKED; Laterality, X-linked; Visceral heterotaxia; DEXTROCARDIA WITH OTHER CARDIAC MALFORMATIONS. Identifiers: Orphanet 450, MedGen C1844020, MONDO:0010607, OMIM 306955.

Allele frequency attached by ClinVar (database versions not stated): gnomAD exomes below 0.00001; gnomAD 0.00001; TOPMed 0.00001.
gnomAD v4.1: 2 of 1,196,021 alleles (0.00017%); highest among the groups gnomAD compares: Admixed American, 0.0045%; no homozygotes.

Submissions (2):

CeGaT Center for Human Genetics Tuebingen
Classification: Likely benign. Last evaluated: 2026-03-01. Review status: criteria provided, single submitter. Criteria: CeGaT Center For Human Genetics Tuebingen Variant Classification Criteria Version 2. Collection method: clinical testing. Allele origin: germline. Affected: yes. Observed: 1 variant allele.
Comment: ZIC3: BP4, BP7

Labcorp Genetics (formerly Invitae), Labcorp
Classification: Likely benign for Heterotaxy, visceral, 1, X-linked. Last evaluated: 2023-11-28. Review status: criteria provided, single submitter. Criteria: Invitae Variant Classification Sherloc (09022015). Collection method: clinical testing. Allele origin: germline.